The following is an entry in ClinVar:

ClinVar aggregate classification (germline): Uncertain significance (1 of 4 stars; one submission).

Conditions:
Temtamy syndrome (TEMTYS). Also called: MENTAL RETARDATION WITH OR WITHOUT CRANIOFACIAL DYSMORPHISM, OCULAR COLOBOMA, OR ABNORMAL CORPUS CALLOSUM. Identifiers: Orphanet 1777, MedGen C1857512, MONDO:0009033, OMIM 218340.

Allele frequency attached by ClinVar (database versions not stated): gnomAD exomes below 0.00001 and 0.00002; gnomAD 0.00001; TOPMed 0.00002.

Submission:

Labcorp Genetics (formerly Invitae), Labcorp
Classification: Uncertain significance for Temtamy syndrome. Last evaluated: 2024-12-16. Review status: criteria provided, single submitter. Criteria: Invitae Variant Classification Sherloc (09022015). Collection method: clinical testing. Allele origin: germline.
Comment: This sequence change replaces alanine, which is neutral and non-polar, with threonine, which is neutral and polar, at codon 68 of the C12orf57 protein (p.Ala68Thr). This variant is present in population databases (no rsID available, gnomAD 0.0009%). This variant has not been reported in the literature in individuals affected with C12orf57-related conditions. ClinVar contains an entry for this variant (Variation ID: 862519). An algorithm developed to predict the effect of missense changes on protein structure and function (PolyPhen-2) suggests that this variant is likely to be disruptive. In summary, the available evidence is currently insufficient to determine the role of this variant in disease. Therefore, it has been classified as a Variant of Uncertain Significance.

NM_138425.4(C12orf57):c.202G>A (p.Ala68Thr)

Gene: C12orf57 (chromosome 12 open reading frame 57; plus strand). Cytogenetic location: 12p13.31.
Variant type: single nucleotide variant.
Coding change: c.202G>A on transcript NM_138425.4 (MANE Select); coding-DNA position 202, G replaced by A.
Protein change: p.Ala68Thr; replaces alanine 68 with threonine.
Molecular consequence: missense variant. On other transcripts: intron variant (1).
Genome position (GRCh38, 1-based): chr12:6,944,625, G>A. VCF-style: chr12-6944625-G-A. GRCh37 (hg19) VCF-style: chr12-7053788-G-A.
Other names: c.202G>A, p.Ala68Thr (NM_001301834.1); c.163G>A, p.Ala55Thr (NM_001301836.2); c.97G>A, p.Ala33Thr (NM_001301838.2); c.142+60G>A (NM_001301837.2); short protein forms A68T, A33T, A55T.
Identifiers: ClinVar variation 862519 (VCV000862519.9), dbSNP rs201642098, ClinGen allele CA383744761.
Genomic context (GRCh38, chr12:6,944,625, plus strand): 5'-GGTAAGATGCTGCAATTCGTGCTGCCCGTGGCCACGCAGATCCAGCAGGAGGTTATCAAA[G>A]CCTATGGCTTCAGCTGCGACGGGGAAGGTGGGTCAGACGCGGGAAGGCGGGTCAGACGCG-3'
Protein context (NP_612434.1, residues 58-78): ATQIQQEVIK[Ala68Thr]YGFSCDGEGV